The following is an entry in ClinVar:

NM_003680.4(YARS1):c.1099C>T (p.Arg367Trp)

Gene: YARS1 (tyrosyl-tRNA synthetase 1; minus strand). Cytogenetic location: 1p35.1.
Variant type: single nucleotide variant.
Coding change: c.1099C>T on transcript NM_003680.4 (MANE Select); coding-DNA position 1099, C replaced by T.
Protein change: p.Arg367Trp; replaces arginine 367 with tryptophan.
Molecular consequence: missense variant.
Genome position (GRCh38, 1-based): chr1:32,781,089, G>A on the plus strand (C>T on the coding strand, the complement: YARS1 is on the minus strand). VCF-style: chr1-32781089-G-A. GRCh37 (hg19) VCF-style: chr1-33246690-G-A.
Other names: short protein forms R367W.
Identifiers: ClinVar variation 567612 (VCV000567612.26), dbSNP rs376054085, ClinGen allele CA744989.

ClinVar aggregate classification (germline): Conflicting classifications of pathogenicity. Review status: criteria provided, conflicting classifications (1 of 4 stars). 7 submissions from 7 submitters: Pathogenic (4); Likely pathogenic (2); Uncertain significance (1). Last evaluated 2026-03-01.

Conditions:
Neurologic, endocrine, and pancreatic disease, multisystem, infantile-onset 2 (IMNEPD2). Also called: YARS1 Deficiency. Identifiers: MedGen C5543623, MONDO:0030375, OMIM 619418.
recessive ARS-related multisystem disease.
Charcot-Marie-Tooth disease dominant intermediate C (CMTDIC). Also called: CHARCOT-MARIE-TOOTH NEUROPATHY, DOMINANT INTERMEDIATE C. Identifiers: Orphanet 100045, MedGen C1842237, MONDO:0012012, OMIM 608323.

Allele frequency attached by ClinVar (database versions not stated): gnomAD exomes 0.00001 and 0.00004; gnomAD 0.00003; TOPMed 0.00004; ESP Exome Variant Server 0.00008; 1000 Genomes Project 30x 0.00016; 1000 Genomes Project 0.00020.
gnomAD v4.1: 25 of 1,614,212 alleles (0.0015%); highest among the groups gnomAD compares: Admixed American, 0.022%; no homozygotes.

Submissions (7):

CeGaT Center for Human Genetics Tuebingen
Classification: Uncertain significance. Last evaluated: 2026-03-01. Review status: criteria provided, single submitter. Criteria: CeGaT Center For Human Genetics Tuebingen Variant Classification Criteria Version 2. Collection method: clinical testing. Allele origin: germline. Affected: yes. Observed: 1 variant allele.

GeneDx
Classification: Likely pathogenic. Last evaluated: 2025-08-28. Review status: criteria provided, single submitter. Criteria: GeneDx Variant Classification Process June 2021. Collection method: clinical testing. Allele origin: germline. Affected: yes.
Comment: In silico analysis supports that this missense variant has a deleterious effect on protein structure/function; This variant is associated with the following publications: (PMID: 29302074, 31130284, 16429158, 34536092, 38125821, 40073208)

Labcorp Genetics (formerly Invitae), Labcorp
Classification: Pathogenic for Charcot-Marie-Tooth disease dominant intermediate C. Last evaluated: 2024-12-16. Review status: criteria provided, single submitter. Criteria: Invitae Variant Classification Sherloc (09022015). Collection method: clinical testing. Allele origin: germline.
Comment: This sequence change replaces arginine, which is basic and polar, with tryptophan, which is neutral and slightly polar, at codon 367 of the YARS protein (p.Arg367Trp). This variant is present in population databases (rs376054085, gnomAD 0.03%). This missense change has been observed in individuals with autosomal recessive YARS-related conditions (PMID: 29302074, 31130284, 34536092). It has also been observed to segregate with disease in related individuals. ClinVar contains an entry for this variant (Variation ID: 567612). Invitae Evidence Modeling of protein sequence and biophysical properties (such as structural, functional, and spatial information, amino acid conservation, physicochemical variation, residue mobility, and thermodynamic stability) has been performed for this missense variant. However, the output from this modeling did not meet the statistical confidence thresholds required to predict the impact of this variant on YARS protein function. For these reasons, this variant has been classified as Pathogenic.

Athena Diagnostics
Classification: Pathogenic. Last evaluated: 2024-06-10. Review status: criteria provided, single submitter. Criteria: Athena Diagnostics Criteria. Collection method: clinical testing. Allele origin: unknown.
Comment: The frequency of this variant in the general population is consistent with pathogenicity. Computational tools predict that this variant is damaging. This variant has been identified in at least one individual with clinical features associated with this gene. This variant segregates with disease in multiple families with infantile-onset multisystem neurologic, endocrine, and pancreatic disease.

Institute of Medical Genetics and Applied Genomics, University Hospital Tübingen
Classification: Pathogenic for Neurologic, endocrine, and pancreatic disease, multisystem, infantile-onset 2. Last evaluated: 2022-05-03. Review status: criteria provided, single submitter. Criteria: ACMG Guidelines, 2015. Collection method: clinical testing. Allele origin: germline. Inheritance: Autosomal recessive inheritance. Affected: yes.

Institute of Human Genetics, University of Leipzig Medical Center
Classification: Pathogenic for recessive ARS-related multisystem disease. Last evaluated: 2020-06-01. Review status: criteria provided, single submitter. Criteria: ACMG Guidelines, 2015. Collection method: clinical testing. Allele origin: germline. Inheritance: Autosomal recessive inheritance. Affected: yes.
Comment: PS1, PM2, PM3, PP1_Strong, PP3

Juno Genomics, Hangzhou Juno Genomics, Inc
Classification: Likely pathogenic for Neurologic, endocrine, and pancreatic disease, multisystem, infantile-onset 2. Review status: criteria provided, single submitter. Criteria: ACMG Guidelines, 2015. Collection method: clinical testing. Allele origin: germline. Affected: yes.
Comment: Absent from controls (or at extremely low frequency if recessive) in Genome Aggregation Database, Exome Sequencing Project, 1000 Genomes Project, or Exome Aggregation Consortium.;For recessive disorders, detected in trans with a pathogenic variant.;Co-segregation with disease in multiple affected family members in a gene definitively known to cause the disease.;Multiple lines of computational evidence support a deleterious effect on the gene or gene product (conservation, evolutionary, splicing impact, etc).

Literature cited by the submitters: PubMed 29302074 (cited by Labcorp Genetics (formerly Invitae), Labcorp and Athena Diagnostics); PubMed 31130284 (cited by Labcorp Genetics (formerly Invitae), Labcorp and Athena Diagnostics); PubMed 34536092 (cited by Labcorp Genetics (formerly Invitae), Labcorp and Athena Diagnostics).